The following is an entry in ClinVar:

ClinVar aggregate classification (germline): Benign (1 of 4 stars; one submission).

Allele frequency attached by ClinVar (database versions not stated): 1000 Genomes Project 0.58127; 1000 Genomes Project 30x 0.59385; gnomAD 0.73554 and 0.75215; TOPMed 0.73835.
gnomAD v4.1: 111,991 of 152,222 alleles (74%); highest among the groups gnomAD compares: African/African-American, 81%; 42,486 homozygotes.

Submission:

GeneDx
Classification: Benign. Last evaluated: 2018-06-18. Review status: criteria provided, single submitter. Criteria: GeneDx Variant Classification (06012015). Collection method: clinical testing. Allele origin: germline. Affected: yes.
Comment: This variant is considered likely benign or benign based on one or more of the following criteria: it is a conservative change, it occurs at a poorly conserved position in the protein, it is predicted to be benign by multiple in silico algorithms, and/or has population frequency not consistent with disease.

NM_001130987.2(DYSF):c.951+268T>C

Gene: DYSF (dysferlin; plus strand). Cytogenetic location: 2p13.2.
Variant type: single nucleotide variant.
Coding change: c.951+268T>C on transcript NM_001130987.2 (MANE Select); 268 bases into the intron after coding-DNA position 951, T replaced by C.
Molecular consequence: intron variant.
Genome position (GRCh38, 1-based): chr2:71,516,510, T>C. VCF-style: chr2-71516510-T-C. GRCh37 (hg19) VCF-style: chr2-71743640-T-C.
Other names: c.948+268T>C (NM_001130979.2, NM_001130981.2, NM_001130980.2); c.855+268T>C (NM_001130978.2, NM_003494.4, NM_001130977.2 and 1 more transcripts); c.951+268T>C (NM_001130982.2, NM_001130985.2); c.858+268T>C (NM_001130983.2, NM_001130455.2, NM_001130984.2 and 1 more transcripts).
Identifiers: ClinVar variation 668122 (VCV000668122.1), dbSNP rs6546702, ClinGen allele CA11072042.